The following is an entry in ClinVar:

NM_004369.4(COL6A3):c.3680-230T>C

Gene: COL6A3 (collagen type VI alpha 3 chain; minus strand). Cytogenetic location: 2q37.3.
Variant type: single nucleotide variant.
Coding change: c.3680-230T>C on transcript NM_004369.4 (MANE Select); 230 bases into the intron before coding-DNA position 3680, T replaced by C.
Molecular consequence: intron variant.
Genome position (GRCh38, 1-based): chr2:237,372,567, A>G on the plus strand (T>C on the coding strand, the complement: COL6A3 is on the minus strand). VCF-style: chr2-237372567-A-G. GRCh37 (hg19) VCF-style: chr2-238281210-A-G.
Other names: c.1859-230T>C (NM_057166.5); c.3062-230T>C (NM_057167.4, NM_057165.5); c.2459-230T>C (NM_057164.5).
Identifiers: ClinVar variation 680252 (VCV000680252.1), dbSNP rs76568198, ClinGen allele CA67819724.

ClinVar aggregate classification (germline): Likely benign (1 of 4 stars; one submission).

Allele frequency attached by ClinVar (database versions not stated): 1000 Genomes Project 30x 0.01280; 1000 Genomes Project 0.01298; gnomAD 0.01411 and 0.01443; TOPMed 0.01452.
gnomAD v4.1: 2,167 of 152,326 alleles (1.4%); highest among the groups gnomAD compares: Middle Eastern, 3.1%; 28 homozygotes.

Submission:

GeneDx
Classification: Likely benign. Last evaluated: 2018-06-19. Review status: criteria provided, single submitter. Criteria: GeneDx Variant Classification (06012015). Collection method: clinical testing. Allele origin: germline. Affected: yes.
Comment: This variant is considered likely benign or benign based on one or more of the following criteria: it is a conservative change, it occurs at a poorly conserved position in the protein, it is predicted to be benign by multiple in silico algorithms, and/or has population frequency not consistent with disease.